The following is an entry in ClinVar:

NM_004252.5(NHERF1):c.943T>A (p.Ser315Thr)

Gene: NHERF1 (NHERF family PDZ scaffold protein 1; plus strand). Cytogenetic location: 17q25.1.
Variant type: single nucleotide variant.
Coding change: c.943T>A on transcript NM_004252.5 (MANE Select); coding-DNA position 943, T replaced by A.
Protein change: p.Ser315Thr; replaces serine 315 with threonine.
Molecular consequence: missense variant.
Genome position (GRCh38, 1-based): chr17:74,768,522, T>A. VCF-style: chr17-74768522-T-A. GRCh37 (hg19) VCF-style: chr17-72764661-T-A.
Other names: short protein forms S315T.
Identifiers: ClinVar variation 2896647 (VCV002896647.3), dbSNP rs146249672, ClinGen allele CA8750838.
Genomic context (GRCh38, chr17:74,768,522, plus strand): 5'-TTACAGCTGAATTCCCAAGACAGCCCCCCAAAACAGGACTCCACAGCGCCCTCGTCTACC[T>A]CCTCCTCCGACCCCATCCTAGACTTCAACATCTCCCTGGCCATGGCCAAAGAGAGGGCCC-3'
Protein context (NP_004243.1, residues 305-325): KQDSTAPSST[Ser315Thr]SSDPILDFNI

ClinVar aggregate classification (germline): Uncertain significance (1 of 4 stars; one submission).

Allele frequency attached by ClinVar (database versions not stated): ExAC 0.00004; TOPMed 0.00009; gnomAD exomes 0.00012; gnomAD 0.00013; ESP Exome Variant Server 0.00023.
gnomAD v4.1: 196 of 1,613,510 alleles (0.012%); highest among the groups gnomAD compares: Non-Finnish European, 0.015%; no homozygotes.

Submission:

Labcorp Genetics (formerly Invitae), Labcorp
Classification: Uncertain significance. Last evaluated: 2024-12-13. Review status: criteria provided, single submitter. Criteria: Invitae Variant Classification Sherloc (09022015). Collection method: clinical testing. Allele origin: germline.
Comment: This sequence change replaces serine, which is neutral and polar, with threonine, which is neutral and polar, at codon 315 of the SLC9A3R1 protein (p.Ser315Thr). This variant is present in population databases (rs146249672, gnomAD 0.009%). This variant has not been reported in the literature in individuals affected with SLC9A3R1-related conditions. ClinVar contains an entry for this variant (Variation ID: 2896647). An algorithm developed to predict the effect of missense changes on protein structure and function outputs the following: PolyPhen-2: "Benign". The threonine amino acid residue is found in multiple mammalian species, which suggests that this missense change does not adversely affect protein function. In summary, the available evidence is currently insufficient to determine the role of this variant in disease. Therefore, it has been classified as a Variant of Uncertain Significance.